The following is an entry in ClinVar:

NM_017617.5(NOTCH1):c.1100-85T>C

Gene: NOTCH1 (notch receptor 1; minus strand). Cytogenetic location: 9q34.3.
Variant type: single nucleotide variant.
Coding change: c.1100-85T>C on transcript NM_017617.5 (MANE Select); 85 bases into the intron before coding-DNA position 1100, T replaced by C.
Molecular consequence: intron variant.
Genome position (GRCh38, 1-based): chr9:136,518,377, A>G on the plus strand (T>C on the coding strand, the complement: NOTCH1 is on the minus strand). VCF-style: chr9-136518377-A-G. GRCh37 (hg19) VCF-style: chr9-139412829-A-G.
Identifiers: ClinVar variation 679633 (VCV000679633.2), dbSNP rs116547005, ClinGen allele CA13078554.

ClinVar aggregate classification (germline): Benign. Review status: criteria provided, multiple submitters, no conflicts (2 of 4 stars). 2 submissions from 2 submitters: Benign (2). Last evaluated 2018-06-14.

Allele frequency attached by ClinVar (database versions not stated): gnomAD exomes 0.00215; gnomAD 0.02146 and 0.02294; TOPMed 0.02390; 1000 Genomes Project 0.02556; 1000 Genomes Project 30x 0.02748.
gnomAD v4.1: 6,312 of 1,520,312 alleles (0.42%); highest among the groups gnomAD compares: African/African-American, 7.6%; 240 homozygotes.

Submissions (2):

GeneDx
Classification: Benign. Last evaluated: 2018-06-14. Review status: criteria provided, single submitter. Criteria: GeneDx Variant Classification (06012015). Collection method: clinical testing. Allele origin: germline. Affected: yes.
Comment: This variant is considered likely benign or benign based on one or more of the following criteria: it is a conservative change, it occurs at a poorly conserved position in the protein, it is predicted to be benign by multiple in silico algorithms, and/or has population frequency not consistent with disease.

Breakthrough Genomics
Classification: Benign. Review status: criteria provided, single submitter. Criteria: ACMG Guidelines, 2015. Collection method: not provided. Allele origin: germline. Inheritance: Autosomal dominant inheritance. Affected: yes.